The following is an entry in ClinVar:

ClinVar aggregate classification (germline): Conflicting classifications of pathogenicity. Review status: criteria provided, conflicting classifications (1 of 4 stars). 21 submissions from 17 submitters: Uncertain significance (9); Benign (3); Likely benign (5). 4 of the submissions do not count toward it. Last evaluated 2026-02-01.

Conditions:
TTN-related disorder. Also called: TTN-related condition; TTN-related disease; TTN-related disorders.
Dilated cardiomyopathy 1G (CMD1G). Identifiers: Orphanet 154, MedGen C1858763, MONDO:0011400, OMIM 604145.
Autosomal recessive limb-girdle muscular dystrophy type 2J (LGMDR10). Also called: Limb-girdle muscular dystrophy, type 2J; MUSCULAR DYSTROPHY, LIMB-GIRDLE, AUTOSOMAL RECESSIVE 10. Identifiers: Orphanet 140922, MedGen C1837342, MONDO:0012127, OMIM 608807.
Cardiomyopathy (CMYO). Also called: Cardiomyopathies. Identifiers: Orphanet 167848, MedGen C0878544, MONDO:0004994, HP:0001638. Inheritance: Various modes of inheritance.
Early-onset myopathy with fatal cardiomyopathy (CMYO5). Also called: Salih Myopathy; CONGENITAL MYOPATHY 5 WITH CARDIOMYOPATHY. Identifiers: Orphanet 289377, MedGen C2673677, MONDO:0012714, OMIM 611705. Disease mechanism: loss of function.
Myopathy, myofibrillar, 9, with early respiratory failure (MFM9). Also called: Hereditary myopathy with early respiratory failure; Myopathy, distal, with early respiratory failure, autosomal dominant; EDSTROM MYOPATHY; MYOPATHY, PROXIMAL, WITH EARLY RESPIRATORY MUSCLE INVOLVEMENT. Identifiers: Orphanet 178464, Orphanet 34521, MedGen C1863599, MONDO:0011362, OMIM 603689.
Tibial muscular dystrophy (TMD). Also called: Udd Distal Myopathy – Tibial Muscular Dystrophy; Tibial muscular dystrophy, tardive; UDD MYOPATHY. Identifiers: Orphanet 609, MedGen C1838244, MONDO:0010870, OMIM 600334.

Allele frequency attached by ClinVar (database versions not stated): 1000 Genomes Project 0.00020; 1000 Genomes Project 30x 0.00047; gnomAD exomes 0.00059 and 0.00083; gnomAD 0.00061; TOPMed 0.00063; ESP Exome Variant Server 0.00074; ExAC 0.00077.
gnomAD v4.1: 1,295 of 1,613,012 alleles (0.08%); highest among the groups gnomAD compares: Non-Finnish European, 0.1%; no homozygotes.

Submissions (21):

Labcorp Genetics (formerly Invitae), Labcorp
Classification: Likely benign for Dilated cardiomyopathy 1G; Autosomal recessive limb-girdle muscular dystrophy type 2J. Last evaluated: 2026-02-01. Review status: criteria provided, single submitter. Criteria: Invitae Variant Classification Sherloc (09022015). Collection method: clinical testing. Allele origin: germline.

CeGaT Center for Human Genetics Tuebingen
Classification: Uncertain significance. Last evaluated: 2025-06-01. Review status: criteria provided, single submitter. Criteria: CeGaT Center For Human Genetics Tuebingen Variant Classification Criteria Version 2. Collection method: clinical testing. Allele origin: germline. Affected: yes. Observed: 1 variant allele.

Molecular Diagnostic Laboratory for Inherited Cardiovascular Disease, Montreal Heart Institute
Classification: Likely benign. Last evaluated: 2025-04-09. Review status: criteria provided, single submitter. Criteria: ACMG Guidelines, 2015. Collection method: clinical testing. Allele origin: germline. Affected: no.

Blueprint Genetics
Classification: Likely benign. Last evaluated: 2024-11-21. Review status: criteria provided, single submitter. Criteria: ACMG Guidelines, 2015. Collection method: clinical testing. Allele origin: germline.

Women's Health and Genetics/Laboratory Corporation of America, LabCorp
Classification: Likely benign. Last evaluated: 2023-09-16. Review status: criteria provided, single submitter. Criteria: LabCorp Variant Classification Summary - May 2015. Collection method: clinical testing. Allele origin: germline.

Mayo Clinic Laboratories, Mayo Clinic
Classification: Uncertain significance. Last evaluated: 2023-03-30. Review status: criteria provided, single submitter. Criteria: ACMG Guidelines, 2015. Collection method: clinical testing. Allele origin: germline. Observed: 2 variant alleles.
Comment: BP4

CHEO Genetics Diagnostic Laboratory, Children's Hospital of Eastern Ontario
Classification: Benign for Cardiomyopathy. Last evaluated: 2021-10-01. Review status: criteria provided, single submitter. Criteria: ACMG Guidelines, 2015. Collection method: clinical testing. Allele origin: germline.

GeneDx
Classification: Likely benign. Last evaluated: 2020-07-14. Review status: criteria provided, single submitter. Criteria: GeneDx Variant Classification Process June 2021. Collection method: clinical testing. Allele origin: germline. Affected: yes.

Eurofins Ntd Llc (ga)
Classification: Uncertain significance. Last evaluated: 2018-05-21. Review status: criteria provided, single submitter. Criteria: EGL ClinVar v180209 classification definitions. Collection method: clinical testing. Allele origin: germline. Observed: 11 variant alleles, 10 heterozygotes.

Illumina Laboratory Services, Illumina
Classification: Benign for Tibial muscular dystrophy. Last evaluated: 2017-10-02. Review status: criteria provided, single submitter. Criteria: ICSL Variant Classification Criteria 13 December 2019. Collection method: clinical testing. Allele origin: germline.
Comment: This variant was observed as part of a predisposition screen in an ostensibly healthy population. A literature search was performed for the gene, cDNA change, and amino acid change (where applicable). Publications were found based on this search. The evidence from the literature, in combination with allele frequency data from public databases where available, was sufficient to rule this variant out of causing disease. Therefore, this variant is classified as benign.

Illumina Laboratory Services, Illumina
Classification: Uncertain significance for Dilated cardiomyopathy 1G. Last evaluated: 2017-10-02. Review status: criteria provided, single submitter. Criteria: ICSL Variant Classification Criteria 13 December 2019. Collection method: clinical testing. Allele origin: germline.
Comment: This variant was observed as part of a predisposition screen in an ostensibly healthy population. A literature search was performed for the gene, cDNA change, and amino acid change (where applicable). Publications were found based on this search. However, the evidence from the literature, in combination with allele frequency data from public databases where available, was not sufficient to rule this variant in or out of causing disease. Therefore, this variant is classified as a variant of unknown significance.

Illumina Laboratory Services, Illumina
Classification: Benign for Myopathy, myofibrillar, 9, with early respiratory failure. Last evaluated: 2017-10-02. Review status: criteria provided, single submitter. Criteria: ICSL Variant Classification Criteria 13 December 2019. Collection method: clinical testing. Allele origin: germline.
Comment: the same text as in the submission from Illumina Laboratory Services, Illumina above.

Illumina Laboratory Services, Illumina
Classification: Uncertain significance for Early-onset myopathy with fatal cardiomyopathy. Last evaluated: 2017-10-02. Review status: criteria provided, single submitter. Criteria: ICSL Variant Classification Criteria 13 December 2019. Collection method: clinical testing. Allele origin: germline.
Comment: the same text as in the submission from Illumina Laboratory Services, Illumina above.

Illumina Laboratory Services, Illumina
Classification: Uncertain significance for Autosomal recessive limb-girdle muscular dystrophy type 2J. Last evaluated: 2017-10-02. Review status: criteria provided, single submitter. Criteria: ICSL Variant Classification Criteria 13 December 2019. Collection method: clinical testing. Allele origin: germline.
Comment: the same text as in the submission from Illumina Laboratory Services, Illumina above.

Genetic Services Laboratory, University of Chicago
Classification: Uncertain significance. Last evaluated: 2016-05-23. Review status: criteria provided, single submitter. Criteria: ACMG Guidelines, 2015. Collection method: clinical testing. Allele origin: germline. Affected: no.

Laboratory for Molecular Medicine, Mass General Brigham Personalized Medicine
Classification: Uncertain significance. Last evaluated: 2016-01-29. Review status: criteria provided, single submitter. Criteria: LMM Criteria. Collection method: clinical testing. Allele origin: germline. Observed: 6 variant alleles.
Comment: Variant classified as Uncertain Significance - Favor Benign. The p.Lys4194Arg va riant in TTN has been previously identified by our laboratory in 2 adults with D CM, 1 adult with HCM, and 1 infant with HCM and LV enlargement. This variant has been identified in 0.1% (85/66092) of European chromosomes by the Exome Aggrega tion Consortium (ExAC; dbSNP rs190636272). Compu tational prediction tools and conservation analysis do not provide strong suppor t for or against an impact to the protein. In summary, while the clinical signif icance of the p.Lys4194Arg variant is uncertain, its frequency suggests that it is more likely to be benign.

Biesecker Lab/Clinical Genomics Section, National Institutes of Health
Classification: Uncertain significance. Last evaluated: 2013-06-24. Review status: criteria provided, single submitter. Criteria: Ng et al. (Circ Cardiovasc Genet. 2013). Collection method: research. Allele origin: unknown. Observed: 1 variant allele. Study: ClinSeq.
Comment: The study set was not selected for affection status in relation to any cancer. Pathogenicity categories were based on literature curation. See Pubmed ID:23861362 for details.

Medical sequencing

PreventionGenetics, part of Exact Sciences
Classification: Likely benign for TTN-related condition. Last evaluated: 2024-01-02. Review status: no assertion criteria provided. Collection method: clinical testing. Allele origin: germline. Not counted in ClinVar's aggregate classification.
Comment: This variant is classified as likely benign based on ACMG/AMP sequence variant interpretation guidelines (Richards et al. 2015 PMID: 25741868, with internal and published modifications).

Clinical Genetics DNA and cytogenetics Diagnostics Lab, Erasmus MC, Erasmus Medical Center
Classification: Likely benign. Review status: no assertion criteria provided. Collection method: clinical testing. Allele origin: germline. Affected: yes. Study: VKGL Data-share Consensus. Not counted in ClinVar's aggregate classification.

Clinical Genetics, Academic Medical Center
Classification: Benign. Review status: no assertion criteria provided. Collection method: clinical testing. Allele origin: germline. Affected: yes. Study: VKGL Data-share Consensus. Not counted in ClinVar's aggregate classification.

Joint Genome Diagnostic Labs from Nijmegen and Maastricht, Radboudumc and MUMC+
Classification: Likely benign. Review status: no assertion criteria provided. Collection method: clinical testing. Allele origin: germline. Affected: yes. Study: VKGL Data-share Consensus. Not counted in ClinVar's aggregate classification.

Literature cited by the submitters: PubMed 23861362 (cited by Illumina Laboratory Services, Illumina).

NM_001267550.2(TTN):c.16313A>G (p.Lys5438Arg)

Gene: TTN (titin; minus strand). Cytogenetic location: 2q31.2.
Variant type: single nucleotide variant.
Coding change: c.16313A>G on transcript NM_001267550.2 (MANE Select); coding-DNA position 16313, A replaced by G.
Protein change: p.Lys5438Arg; replaces lysine 5438 with arginine.
Molecular consequence: missense variant. On other transcripts: intron variant (3).
Genome position (GRCh38, 1-based): chr2:178,732,863, T>C on the plus strand (A>G on the coding strand, the complement: TTN is on the minus strand). VCF-style: chr2-178732863-T-C. GRCh37 (hg19) VCF-style: chr2-179597590-T-C.
Other names: p.K5121R:AAA>AGA; c.15362A>G, p.Lys5121Arg (NM_001256850.1); c.12581A>G, p.Lys4194Arg (NM_133378.4); c.13282+5219A>G (NM_003319.4); c.13858+5219A>G (NM_133437.4); c.13657+5219A>G (NM_133432.3); short protein forms K5438R, K4194R, K5121R.
Identifiers: ClinVar variation 46615 (VCV000046615.60), dbSNP rs190636272, ClinGen allele CA138763.